The following is an entry in ClinVar:

NM_022552.5(DNMT3A):c.2425G>A (p.Val809Met)

Gene: DNMT3A (DNA methyltransferase 3 alpha; minus strand). Cytogenetic location: 2p23.3.
Variant type: single nucleotide variant.
Coding change: c.2425G>A on transcript NM_022552.5 (MANE Select); coding-DNA position 2425, G replaced by A.
Protein change: p.Val809Met; replaces valine 809 with methionine.
Molecular consequence: missense variant. On other transcripts: non-coding transcript variant (1).
Genome position (GRCh38, 1-based): chr2:25,236,989, C>T on the plus strand (G>A on the coding strand, the complement: DNMT3A is on the minus strand). VCF-style: chr2-25236989-C-T. GRCh37 (hg19) VCF-style: chr2-25459858-C-T.
Other names: c.1969G>A, p.Val657Met (NM_001320893.1); c.1756G>A, p.Val586Met (NM_001375819.1); c.1858G>A, p.Val620Met (NM_153759.3); c.2425G>A, p.Val809Met (NM_175629.2); short protein forms V586M, V620M, V657M, V809M.
Identifiers: ClinVar variation 4243611 (VCV004243611.1).

ClinVar aggregate classification (germline): Uncertain significance (1 of 4 stars; one submission).

Conditions:
Inborn genetic diseases. Identifiers: MedGen C0950123, MeSH D030342.

Submission:

Ambry Genetics
Classification: Uncertain significance for Inborn genetic diseases. Last evaluated: 2025-08-02. Review status: criteria provided, single submitter. Criteria: Ambry Variant Classification Scheme 2023. Collection method: clinical testing. Allele origin: germline.
Comment: The p.V809M variant (also known as c.2425G>A), located in coding exon 20 of the DNMT3A gene, results from a G to A substitution at nucleotide position 2425. The valine at codon 809 is replaced by methionine, an amino acid with highly similar properties. This amino acid position is conserved. In addition, this alteration is predicted to be tolerated by in silico analysis. Based on the available evidence, the clinical significance of this variant remains unclear.